The following is an entry in ClinVar:

NM_182746.3(MCM4):c.598-10T>C

Gene: MCM4 (minichromosome maintenance complex component 4; plus strand). Cytogenetic location: 8q11.21.
Variant type: single nucleotide variant.
Coding change: c.598-10T>C on transcript NM_182746.3 (MANE Select); 10 bases into the intron before coding-DNA position 598, T replaced by C.
Molecular consequence: intron variant.
Genome position (GRCh38, 1-based): chr8:47,962,935, T>C. VCF-style: chr8-47962935-T-C. GRCh37 (hg19) VCF-style: chr8-48875495-T-C.
Other names: c.598-10T>C (NM_005914.4).
Identifiers: ClinVar variation 790055 (VCV000790055.13), dbSNP rs143836714, ClinGen allele CA4742368.

ClinVar aggregate classification (germline): Benign/Likely benign. Review status: criteria provided, multiple submitters, no conflicts (2 of 4 stars). 3 submissions from 3 submitters: Benign (1); Likely benign (1). 1 of the submissions does not count toward it. Last evaluated 2026-02-01.

Conditions:
MCM4-related disorder. Also called: MCM4-related condition.

Allele frequency attached by ClinVar (database versions not stated): ExAC 0.00039; ESP Exome Variant Server 0.00115; gnomAD 0.00119 and 0.00133; 1000 Genomes Project 0.00120; 1000 Genomes Project 30x 0.00141; TOPMed 0.00142.
gnomAD v4.1: 362 of 1,582,414 alleles (0.023%); highest among the groups gnomAD compares: African/African-American, 0.4%; no homozygotes.

Submissions (3):

Labcorp Genetics (formerly Invitae), Labcorp
Classification: Benign. Last evaluated: 2026-02-01. Review status: criteria provided, single submitter. Criteria: Invitae Variant Classification Sherloc (09022015). Collection method: clinical testing. Allele origin: germline.

Blueprint Genetics
Classification: Likely benign. Last evaluated: 2024-09-02. Review status: criteria provided, single submitter. Criteria: ACMG Guidelines, 2015. Collection method: clinical testing. Allele origin: germline.

PreventionGenetics, part of Exact Sciences
Classification: Likely benign for MCM4-related condition. Last evaluated: 2019-02-19. Review status: no assertion criteria provided. Collection method: clinical testing. Allele origin: germline. Not counted in ClinVar's aggregate classification.
Comment: This variant is classified as likely benign based on ACMG/AMP sequence variant interpretation guidelines (Richards et al. 2015 PMID: 25741868, with internal and published modifications).